The following is an entry in ClinVar:

NM_181332.3(NLGN4X):c.2192C>T (p.Ser731Phe)

Gene: NLGN4X (neuroligin 4 X-linked; minus strand). Cytogenetic location: Xp22.32.
Variant type: single nucleotide variant.
Coding change: c.2192C>T on transcript NM_181332.3 (MANE Select); coding-DNA position 2192, C replaced by T.
Protein change: p.Ser731Phe; replaces serine 731 with phenylalanine.
Molecular consequence: missense variant.
Genome position (GRCh38, 1-based): chrX:5,893,076, G>A on the plus strand (C>T on the coding strand, the complement: NLGN4X is on the minus strand). VCF-style: chrX-5893076-G-A. GRCh37 (hg19) VCF-style: chrX-5811117-G-A.
Other names: c.2192C>T, p.Ser731Phe (NM_001282145.2, NM_001282146.2, NM_020742.4); short protein forms S731F.
Identifiers: ClinVar variation 1676413 (VCV001676413.2), dbSNP rs2146683656, ClinGen allele CA412012789.
Genomic context (GRCh38, chrX:5,893,076, plus strand): 5'-GTGTCGTGTGCCTGCAGCGACTCACACTCGTGATCGTGTTCCAGCTGCTTCATCTGCAGA[G>A]ACATGATCTCTTCGTTCTGGATGTGAGCGATATCATTTGTGGTGTTTCTCTGGGGACTGG-3'
Protein context (NP_851849.1, residues 721-741): IAHIQNEEIM[Ser731Phe]LQMKQLEHDH

ClinVar aggregate classification (germline): Uncertain significance (1 of 4 stars; one submission).

gnomAD v4.1: 2 of 1,211,599 alleles (0.00017%); highest among the groups gnomAD compares: Non-Finnish European, 0.00022%; no homozygotes.

Submission:

GeneDx
Classification: Uncertain significance. Last evaluated: 2022-04-05. Review status: criteria provided, single submitter. Criteria: GeneDx Variant Classification Process June 2021. Collection method: clinical testing. Allele origin: germline. Affected: yes.
Comment: Not observed at significant frequency in large population cohorts (gnomAD); In silico analysis supports that this missense variant has a deleterious effect on protein structure/function; Has not been previously published as pathogenic or benign to our knowledge